The following is an entry in ClinVar:

NM_031935.3(HMCN1):c.1037T>C (p.Val346Ala)

Gene: HMCN1 (hemicentin 1; plus strand). Cytogenetic location: 1q31.1.
Variant type: single nucleotide variant.
Coding change: c.1037T>C on transcript NM_031935.3 (MANE Select); coding-DNA position 1037, T replaced by C.
Protein change: p.Val346Ala; replaces valine 346 with alanine.
Molecular consequence: missense variant.
Genome position (GRCh38, 1-based): chr1:185,923,405, T>C. VCF-style: chr1-185923405-T-C. GRCh37 (hg19) VCF-style: chr1-185892537-T-C.
Other names: short protein forms V346A.
Identifiers: ClinVar variation 2871055 (VCV002871055.3), dbSNP rs1275487580, ClinGen allele CA343892044.

ClinVar aggregate classification (germline): Uncertain significance (1 of 4 stars; one submission).

Allele frequency attached by ClinVar (database versions not stated): gnomAD exomes 0.00001.
gnomAD v4.1: 3 of 1,609,854 alleles (0.00019%); highest among the groups gnomAD compares: Admixed American, 0.005%; no homozygotes.

Submission:

Labcorp Genetics (formerly Invitae), Labcorp
Classification: Uncertain significance. Last evaluated: 2024-06-03. Review status: criteria provided, single submitter. Criteria: Invitae Variant Classification Sherloc (09022015). Collection method: clinical testing. Allele origin: germline.
Comment: This sequence change replaces valine, which is neutral and non-polar, with alanine, which is neutral and non-polar, at codon 346 of the HMCN1 protein (p.Val346Ala). This variant is present in population databases (no rsID available, gnomAD 0.003%). This variant has not been reported in the literature in individuals affected with HMCN1-related conditions. An algorithm developed to predict the effect of missense changes on protein structure and function (PolyPhen-2) suggests that this variant is likely to be disruptive. In summary, the available evidence is currently insufficient to determine the role of this variant in disease. Therefore, it has been classified as a Variant of Uncertain Significance.